The following is an entry in ClinVar:

ClinVar aggregate classification (germline): Uncertain significance (1 of 4 stars; one submission).

Allele frequency attached by ClinVar (database versions not stated): gnomAD exomes below 0.00001 and 0.00001; ESP Exome Variant Server 0.00008.
gnomAD v4.1: 19 of 1,614,110 alleles (0.0012%); highest among the groups gnomAD compares: Middle Eastern, 0.033%; no homozygotes.

Submission:

Labcorp Genetics (formerly Invitae), Labcorp
Classification: Uncertain significance. Last evaluated: 2025-11-18. Review status: criteria provided, single submitter. Criteria: Invitae Variant Classification Sherloc (09022015). Collection method: clinical testing. Allele origin: germline.
Comment: This sequence change replaces aspartic acid, which is acidic and polar, with glycine, which is neutral and non-polar, at codon 455 of the BACH2 protein (p.Asp455Gly). This variant is present in population databases (rs370180369, gnomAD 0.002%). This variant has not been reported in the literature in individuals affected with BACH2-related conditions. ClinVar contains an entry for this variant (Variation ID: 1490299). Invitae Evidence Modeling of protein sequence and biophysical properties (such as structural, functional, and spatial information, amino acid conservation, physicochemical variation, residue mobility, and thermodynamic stability) indicates that this missense variant is not expected to disrupt BACH2 protein function with a negative predictive value of 80%. In summary, the available evidence is currently insufficient to determine the role of this variant in disease. Therefore, it has been classified as a Variant of Uncertain Significance.

NM_021813.4(BACH2):c.1364A>G (p.Asp455Gly)

Gene: BACH2 (BACH transcriptional regulator 2; minus strand). Cytogenetic location: 6q15.
Variant type: single nucleotide variant.
Coding change: c.1364A>G on transcript NM_021813.4 (MANE Select); coding-DNA position 1364, A replaced by G.
Protein change: p.Asp455Gly; replaces aspartic acid 455 with glycine.
Molecular consequence: missense variant.
Genome position (GRCh38, 1-based): chr6:89,950,742, T>C on the plus strand (A>G on the coding strand, the complement: BACH2 is on the minus strand). VCF-style: chr6-89950742-T-C. GRCh37 (hg19) VCF-style: chr6-90660461-T-C.
Other names: c.1364A>G, p.Asp455Gly (NM_001170794.2); short protein forms D455G.
Identifiers: ClinVar variation 1490299 (VCV001490299.8), dbSNP rs370180369, ClinGen allele CA143342170.